The following is an entry in ClinVar:

NM_003239.5(TGFB3):c.742A>G (p.Ile248Val)

Gene: TGFB3 (transforming growth factor beta 3; minus strand). Cytogenetic location: 14q24.3.
Variant type: single nucleotide variant.
Coding change: c.742A>G on transcript NM_003239.5 (MANE Select); coding-DNA position 742, A replaced by G.
Protein change: p.Ile248Val; replaces isoleucine 248 with valine.
Molecular consequence: missense variant.
Genome position (GRCh38, 1-based): chr14:75,965,600, T>C on the plus strand (A>G on the coding strand, the complement: TGFB3 is on the minus strand). VCF-style: chr14-75965600-T-C. GRCh37 (hg19) VCF-style: chr14-76431943-T-C.
Other names: c.742A>G (NM_003239.2); c.742A>G, p.Ile248Val (NM_001329938.2, NM_001329939.2); short protein forms I248V.
Identifiers: ClinVar variation 1024643 (VCV001024643.10), dbSNP rs2035211931, ClinGen allele CA390468822.

ClinVar aggregate classification (germline): Uncertain significance. Review status: criteria provided, multiple submitters, no conflicts (2 of 4 stars). 2 submissions from 2 submitters: Uncertain significance (2). Last evaluated 2026-01-08.

Conditions:
Rienhoff syndrome. Also called: LOEYS-DIETZ SYNDROME 5. Identifiers: MedGen C3810012, MONDO:0014262, OMIM 615582.
Familial thoracic aortic aneurysm and aortic dissection (TAAD). Also called: Thoracic aortic aneurysms and dissections. Identifiers: Orphanet 91387, MedGen C4707243, MONDO:0019625.

Submissions (2):

Ambry Genetics
Classification: Uncertain significance for Familial thoracic aortic aneurysm and aortic dissection. Last evaluated: 2026-01-08. Review status: criteria provided, single submitter. Criteria: Ambry Variant Classification Scheme 2023. Collection method: clinical testing. Allele origin: germline.
Comment: The p.I248V variant (also known as c.742A>G), located in coding exon 4 of the TGFB3 gene, results from an A to G substitution at nucleotide position 742. The isoleucine at codon 248 is replaced by valine, an amino acid with highly similar properties. This variant was reported in individual(s) with features consistent with aortic dilation (Ambry internal data). This amino acid position is not well conserved in available vertebrate species. In addition, this alteration is predicted to be tolerated by in silico analysis. Based on the available evidence, the clinical significance of this variant remains unclear.

Labcorp Genetics (formerly Invitae), Labcorp
Classification: Uncertain significance for Rienhoff syndrome. Last evaluated: 2023-02-10. Review status: criteria provided, single submitter. Criteria: Invitae Variant Classification Sherloc (09022015). Collection method: clinical testing. Allele origin: germline.
Comment: This sequence change replaces isoleucine, which is neutral and non-polar, with valine, which is neutral and non-polar, at codon 248 of the TGFB3 protein (p.Ile248Val). This variant is not present in population databases (gnomAD no frequency). This variant has not been reported in the literature in individuals affected with TGFB3-related conditions. ClinVar contains an entry for this variant (Variation ID: 1024643). Advanced modeling of protein sequence and biophysical properties (such as structural, functional, and spatial information, amino acid conservation, physicochemical variation, residue mobility, and thermodynamic stability) performed at Invitae indicates that this missense variant is not expected to disrupt TGFB3 protein function. In summary, the available evidence is currently insufficient to determine the role of this variant in disease. Therefore, it has been classified as a Variant of Uncertain Significance.